The following is an entry in ClinVar:

NM_032520.5(GNPTG):c.238_239dup (p.Tyr81fs)

Gene: GNPTG (N-acetylglucosamine-1-phosphate transferase subunit gamma; plus strand). Cytogenetic location: 16p13.3.
Variant type: Duplication.
Coding change: c.238_239dup on transcript NM_032520.5 (MANE Select); coding-DNA positions 238 to 239, 2 bases duplicated (AA; older notation c.238_239dupAA).
Protein change: p.Tyr81fs; shifts the reading frame from tyrosine 81.
Molecular consequence: frameshift variant.
Genome position (GRCh38, 1-based): chr16:1,361,876-1,361,877, AA duplicated. VCF-style (leftmost placement, unchanged base first): chr16-1361875-C-CAA. GRCh37 (hg19) VCF-style: chr16-1411876-C-CAA.
Other names: short protein forms Y81fs.
Identifiers: ClinVar variation 4855136 (VCV004855136.1).

ClinVar aggregate classification (germline): Likely pathogenic (1 of 4 stars; one submission).

Conditions:
GNPTG-mucolipidosis. Also called: Mucolipidosis type III gamma; MUCOLIPIDOSIS III, COMPLEMENTATION GROUP C; MUCOLIPIDOSIS III, IRANIAN VARIANT FORM; MUCOLIPIDOSIS III, VARIANT FORM; ML III GAMMA; ML IIIC. Identifiers: Orphanet 423470, Orphanet 577, MedGen C1854896, MONDO:0009652, OMIM 252605.

Submission:

3billion
Classification: Likely pathogenic for GNPTG-mucolipidosis. Last evaluated: 2025-11-29. Review status: criteria provided, single submitter. Criteria: ACMG Guidelines, 2015. Collection method: clinical testing. Allele origin: germline. Affected: yes.
Comment: The variant is not observed in the gnomAD v4.1.0 dataset. Predicted Consequence/Location: Frameshift: predicted to result in a loss or disruption of normal protein function through nonsense-mediated decay (NMD) or protein truncation. Multiple pathogenic variants are reported downstream of the variant. Therefore, this variant is classified as Likely pathogenic according to the recommendation of ACMG/AMP guideline.